The following is an entry in ClinVar:

NM_139076.3(ABRAXAS1):c.913C>T (p.His305Tyr)

Gene: ABRAXAS1 (abraxas 1, BRCA1 A complex subunit; minus strand). Cytogenetic location: 4q21.23.
Variant type: single nucleotide variant.
Coding change: c.913C>T on transcript NM_139076.3 (MANE Select); coding-DNA position 913, C replaced by T.
Protein change: p.His305Tyr; replaces histidine 305 with tyrosine.
Molecular consequence: missense variant.
Genome position (GRCh38, 1-based): chr4:83,462,786, G>A on the plus strand (C>T on the coding strand, the complement: ABRAXAS1 is on the minus strand). VCF-style: chr4-83462786-G-A. GRCh37 (hg19) VCF-style: chr4-84383939-G-A.
Other names: c.586C>T, p.His196Tyr (NM_001345962.2); short protein forms H305Y, H196Y.
Identifiers: ClinVar variation 4185806 (VCV004185806.1).

ClinVar aggregate classification (germline): Uncertain significance (1 of 4 stars; one submission).

Submission:

Ambry Genetics
Classification: Uncertain significance. Last evaluated: 2025-08-19. Review status: criteria provided, single submitter. Criteria: Ambry Variant Classification Scheme 2023. Collection method: clinical testing. Allele origin: germline.
Comment: The p.H305Y variant (also known as c.913C>T), located in coding exon 9 of the FAM175A gene, results from a C to T substitution at nucleotide position 913. The histidine at codon 305 is replaced by tyrosine, an amino acid with similar properties. This amino acid position is conserved. In addition, this alteration is predicted to be tolerated by in silico analysis. Based on the available evidence, the clinical significance of this variant remains unclear.